The following is an entry in ClinVar:

ClinVar aggregate classification (germline): Uncertain significance (1 of 4 stars; one submission).

Allele frequency attached by ClinVar (database versions not stated): ExAC 0.00001; gnomAD 0.00001; TOPMed 0.00002.
gnomAD v4.1: 5 of 1,613,978 alleles (0.00031%); highest among the groups gnomAD compares: African/African-American, 0.0067%; no homozygotes.

Submission:

Labcorp Genetics (formerly Invitae), Labcorp
Classification: Uncertain significance. Last evaluated: 2022-03-16. Review status: criteria provided, single submitter. Criteria: Invitae Variant Classification Sherloc (09022015). Collection method: clinical testing. Allele origin: germline.
Comment: Advanced modeling of protein sequence and biophysical properties (such as structural, functional, and spatial information, amino acid conservation, physicochemical variation, residue mobility, and thermodynamic stability) performed at Invitae indicates that this missense variant is expected to disrupt YARS2 protein function. In summary, the available evidence is currently insufficient to determine the role of this variant in disease. Therefore, it has been classified as a Variant of Uncertain Significance. This variant has not been reported in the literature in individuals affected with YARS2-related conditions. This variant is present in population databases (rs777714886, gnomAD 0.02%). This sequence change replaces proline, which is neutral and non-polar, with serine, which is neutral and polar, at codon 340 of the YARS2 protein (p.Pro340Ser).

NM_001040436.3(YARS2):c.1018C>T (p.Pro340Ser)

Gene: YARS2 (tyrosyl-tRNA synthetase 2; minus strand). Cytogenetic location: 12p11.21.
Variant type: single nucleotide variant.
Coding change: c.1018C>T on transcript NM_001040436.3 (MANE Select); coding-DNA position 1018, C replaced by T.
Protein change: p.Pro340Ser; replaces proline 340 with serine.
Molecular consequence: missense variant.
Genome position (GRCh38, 1-based): chr12:32,750,804, G>A on the plus strand (C>T on the coding strand, the complement: YARS2 is on the minus strand). VCF-style: chr12-32750804-G-A. GRCh37 (hg19) VCF-style: chr12-32903738-G-A.
Other names: short protein forms P340S.
Identifiers: ClinVar variation 1972424 (VCV001972424.5), dbSNP rs777714886, ClinGen allele CA6508016.